The following is an entry in ClinVar:

ClinVar aggregate classification (germline): Benign/Likely benign. Review status: criteria provided, multiple submitters, no conflicts (2 of 4 stars). 8 submissions from 5 submitters: Benign (5); Likely benign (3). Last evaluated 2025-11-24.

Conditions:
Autosomal recessive limb-girdle muscular dystrophy type 2J (LGMDR10). Also called: Limb-girdle muscular dystrophy, type 2J; MUSCULAR DYSTROPHY, LIMB-GIRDLE, AUTOSOMAL RECESSIVE 10. Identifiers: Orphanet 140922, MedGen C1837342, MONDO:0012127, OMIM 608807.
Dilated cardiomyopathy 1G (CMD1G). Identifiers: Orphanet 154, MedGen C1858763, MONDO:0011400, OMIM 604145.
Tibial muscular dystrophy (TMD). Also called: UDD MYOPATHY; Tibial muscular dystrophy, tardive; Udd Distal Myopathy – Tibial Muscular Dystrophy. Identifiers: Orphanet 609, MedGen C1838244, MONDO:0010870, OMIM 600334.
Early-onset myopathy with fatal cardiomyopathy (CMYO5). Also called: Salih Myopathy; CONGENITAL MYOPATHY 5 WITH CARDIOMYOPATHY. Identifiers: Orphanet 289377, MedGen C2673677, MONDO:0012714, OMIM 611705. Disease mechanism: loss of function.
Myopathy, myofibrillar, 9, with early respiratory failure (MFM9). Also called: MYOPATHY, PROXIMAL, WITH EARLY RESPIRATORY MUSCLE INVOLVEMENT; Hereditary myopathy with early respiratory failure; Myopathy, distal, with early respiratory failure, autosomal dominant; EDSTROM MYOPATHY. Identifiers: Orphanet 178464, Orphanet 34521, MedGen C1863599, MONDO:0011362, OMIM 603689.

Allele frequency attached by ClinVar (database versions not stated): gnomAD exomes 0.00002 and 0.00004; TOPMed 0.00002; gnomAD 0.00003 and 0.00004; ExAC 0.00004.
gnomAD v4.1: 38 of 1,583,034 alleles (0.0024%); highest among the groups gnomAD compares: Middle Eastern, 0.033%; no homozygotes.

Submissions (8):

Labcorp Genetics (formerly Invitae), Labcorp
Classification: Likely benign for Dilated cardiomyopathy 1G; Autosomal recessive limb-girdle muscular dystrophy type 2J. Last evaluated: 2025-11-24. Review status: criteria provided, single submitter. Criteria: Invitae Variant Classification Sherloc (09022015). Collection method: clinical testing. Allele origin: germline.

Blueprint Genetics
Classification: Likely benign. Last evaluated: 2023-10-06. Review status: criteria provided, single submitter. Criteria: ACMG Guidelines, 2015. Collection method: clinical testing. Allele origin: germline.

Genome-Nilou Lab
Classification: Benign for Autosomal recessive limb-girdle muscular dystrophy type 2J. Last evaluated: 2021-09-10. Review status: criteria provided, single submitter. Criteria: ACMG Guidelines, 2015. Collection method: clinical testing. Allele origin: germline. Affected: no.

Genome-Nilou Lab
Classification: Benign for Myopathy, myofibrillar, 9, with early respiratory failure. Last evaluated: 2021-09-10. Review status: criteria provided, single submitter. Criteria: ACMG Guidelines, 2015. Collection method: clinical testing. Allele origin: germline. Affected: no.

Genome-Nilou Lab
Classification: Benign for Early-onset myopathy with fatal cardiomyopathy. Last evaluated: 2021-09-10. Review status: criteria provided, single submitter. Criteria: ACMG Guidelines, 2015. Collection method: clinical testing. Allele origin: germline. Affected: no.

Genome-Nilou Lab
Classification: Benign for Tibial muscular dystrophy. Last evaluated: 2021-09-10. Review status: criteria provided, single submitter. Criteria: ACMG Guidelines, 2015. Collection method: clinical testing. Allele origin: germline. Affected: no.

GeneDx
Classification: Benign. Last evaluated: 2015-05-11. Review status: criteria provided, single submitter. Criteria: GeneDx Variant Classification Process June 2021. Collection method: clinical testing. Allele origin: germline. Affected: yes.

Laboratory for Molecular Medicine, Mass General Brigham Personalized Medicine
Classification: Likely benign. Last evaluated: 2014-11-24. Review status: criteria provided, single submitter. Criteria: LMM Criteria. Collection method: clinical testing. Allele origin: germline. Observed: 1 variant allele.
Comment: c.30560-14T>C in intron 143 of TTN: This variant is not expected to have clinica l significance because a T>C change at this position does not diverge from the s plice consensus sequence and is therefore unlikely to impact splicing.

NM_001267550.2(TTN):c.34379-14T>C

Gene: TTN (titin; minus strand). Cytogenetic location: 2q31.2.
Variant type: single nucleotide variant.
Coding change: c.34379-14T>C on transcript NM_001267550.2 (MANE Select); 14 bases into the intron before coding-DNA position 34379, T replaced by C.
Molecular consequence: intron variant.
Genome position (GRCh38, 1-based): chr2:178,676,009, A>G on the plus strand (T>C on the coding strand, the complement: TTN is on the minus strand). VCF-style: chr2-178676009-A-G. GRCh37 (hg19) VCF-style: chr2-179540736-A-G.
Other names: c.13283-33692T>C (NM_003319.4); c.13859-33692T>C (NM_133437.4); c.13658-33692T>C (NM_133432.3); c.30560-14T>C (NM_133378.4); c.33341-14T>C (NM_001256850.1).
Identifiers: ClinVar variation 180090 (VCV000180090.17), dbSNP rs727505341, ClinGen allele CA185787.
Genomic context (GRCh38, chr2:178,676,009, plus strand): 5'-GGGAATGACCACTTTCTTCTCTGTCACTTTCTTCTTAATTTCAGGCACTTTAAAGACATC[A>G]TTTCATGATAAGGATTTATTTTGAAGGACAAAAAAAGAGAAACCAAGAAGACCCCACACC-3'